The following is an entry in ClinVar:

ClinVar aggregate classification (germline): Uncertain significance. Review status: criteria provided, multiple submitters, no conflicts (2 of 4 stars). 3 submissions from 3 submitters: Uncertain significance (3). Last evaluated 2025-06-08.

Conditions:
Inborn genetic diseases. Identifiers: MedGen C0950123, MeSH D030342.

Allele frequency attached by ClinVar (database versions not stated): gnomAD 0.00001; gnomAD exomes 0.00003 and 0.00004.
gnomAD v4.1: 55 of 1,610,626 alleles (0.0034%); highest among the groups gnomAD compares: African/African-American, 0.0053%; no homozygotes.

Submissions (3):

Ambry Genetics
Classification: Uncertain significance for Inborn genetic diseases. Last evaluated: 2025-06-08. Review status: criteria provided, single submitter. Criteria: Ambry Variant Classification Scheme 2023. Collection method: clinical testing. Allele origin: germline.

Labcorp Genetics (formerly Invitae), Labcorp
Classification: Uncertain significance. Last evaluated: 2024-09-03. Review status: criteria provided, single submitter. Criteria: Invitae Variant Classification Sherloc (09022015). Collection method: clinical testing. Allele origin: germline.
Comment: This sequence change replaces arginine, which is basic and polar, with cysteine, which is neutral and slightly polar, at codon 694 of the ITPR1 protein (p.Arg694Cys). This variant is present in population databases (no rsID available, gnomAD 0.009%). This variant has not been reported in the literature in individuals affected with ITPR1-related conditions. ClinVar contains an entry for this variant (Variation ID: 1308975). Invitae Evidence Modeling of protein sequence and biophysical properties (such as structural, functional, and spatial information, amino acid conservation, physicochemical variation, residue mobility, and thermodynamic stability) indicates that this missense variant is not expected to disrupt ITPR1 protein function with a negative predictive value of 95%. In summary, the available evidence is currently insufficient to determine the role of this variant in disease. Therefore, it has been classified as a Variant of Uncertain Significance.

GeneDx
Classification: Uncertain significance. Last evaluated: 2023-10-17. Review status: criteria provided, single submitter. Criteria: GeneDx Variant Classification Process June 2021. Collection method: clinical testing. Allele origin: germline. Affected: yes.
Comment: In silico analysis supports that this missense variant has a deleterious effect on protein structure/function; Has not been previously published as pathogenic or benign to our knowledge

NM_001378452.1(ITPR1):c.2125C>T (p.Arg709Cys)

Gene: ITPR1 (inositol 1,4,5-trisphosphate receptor type 1; plus strand). Cytogenetic location: 3p26.1.
Variant type: single nucleotide variant.
Coding change: c.2125C>T on transcript NM_001378452.1 (MANE Select); coding-DNA position 2125, C replaced by T.
Protein change: p.Arg709Cys; replaces arginine 709 with cysteine.
Molecular consequence: missense variant.
Genome position (GRCh38, 1-based): chr3:4,670,847, C>T. VCF-style: chr3-4670847-C-T. GRCh37 (hg19) VCF-style: chr3-4712531-C-T.
Other names: c.2080C>T, p.Arg694Cys (NM_001168272.2, NM_002222.7); c.2125C>T, p.Arg709Cys (NM_001099952.4); short protein forms R694C, R709C.
Identifiers: ClinVar variation 1308975 (VCV001308975.11), dbSNP rs1169304800, ClinGen allele CA351645171.